The following is an entry in ClinVar:

ClinVar aggregate classification (germline): Conflicting classifications of pathogenicity. Review status: criteria provided, conflicting classifications (1 of 4 stars). 2 submissions from 2 submitters: Likely pathogenic (1); Uncertain significance (1). Last evaluated 2025-12-05.

Conditions:
Hereditary cancer-predisposing syndrome. Also called: Neoplastic Syndromes, Hereditary; Tumor predisposition; Hereditary Cancer Syndrome; Hereditary neoplastic syndrome. Identifiers: Orphanet 140162, MedGen C0027672, MeSH D009386, MONDO:0015356.
Familial adenomatous polyposis 1 (FAP1). Also called: FAMILIAL ADENOMATOUS POLYPOSIS 1, ATTENUATED; POLYPOSIS, ADENOMATOUS INTESTINAL. Identifiers: MedGen C2713442, MONDO:0021056, OMIM 175100. Disease mechanism: loss of function.

Submissions (2):

Ambry Genetics
Classification: Likely pathogenic for Hereditary cancer-predisposing syndrome. Last evaluated: 2025-12-05. Review status: criteria provided, single submitter. Criteria: Ambry Variant Classification Scheme 2023. Collection method: clinical testing. Allele origin: germline.
Comment: The c.8430dupT variant, located in coding exon 15 of the APC gene, results from a duplication of T at nucleotide position 8430, causing a translational frameshift with a predicted alternate stop codon (p.N2811*). This alteration occurs at the 3' terminus of theAPC gene, is not expected to trigger nonsense-mediated mRNA decay, and only impacts the last 33 amino acids of the protein. However, premature stop codons are typically deleterious in nature and structural analysis suggests this deletion removes a known motif (Thr2841-Ser2842-Val2843) needed for protein binding involved in regulation of protein function (Slep KC et al, PLoS ONE 2012; 7(11):e50097; Zhang Z et al, PLoS ONE 2011; 6(8):e23507). This variant is also considered to be rare based on population cohorts in the Genome Aggregation Database (gnomAD). Based on the majority of available evidence to date, this variant is likely to be pathogenic.

Labcorp Genetics (formerly Invitae), Labcorp
Classification: Uncertain significance for Familial adenomatous polyposis 1. Last evaluated: 2025-11-25. Review status: criteria provided, single submitter. Criteria: Invitae Variant Classification Sherloc (09022015). Collection method: clinical testing. Allele origin: germline.
Comment: This sequence change creates a premature translational stop signal (p.Asn2811*) in the APC gene. While this is not anticipated to result in nonsense mediated decay, it is expected to disrupt the last 33 amino acid(s) of the APC protein. This variant is not present in population databases (gnomAD no frequency). This variant has not been reported in the literature in individuals affected with APC-related conditions. ClinVar contains an entry for this variant (Variation ID: 1763365). Experimental studies and prediction algorithms are not available or were not evaluated, and the functional significance of this variant is currently unknown. In summary, the available evidence is currently insufficient to determine the role of this variant in disease. Therefore, it has been classified as a Variant of Uncertain Significance.

NM_000038.6(APC):c.8430dup (p.Asn2811Ter)

Gene: APC (APC regulator of Wnt signaling pathway; plus strand). Cytogenetic location: 5q22.2.
Variant type: Duplication.
Coding change: c.8430dup on transcript NM_000038.6 (MANE Select); coding-DNA position 8430, one base duplicated (T; older notation c.8430dupT).
Protein change: p.Asn2811Ter; replaces asparagine 2811 with a stop codon.
Molecular consequence: nonsense. On other transcripts: frameshift variant (20).
Genome position (GRCh38, 1-based): chr5:112,844,024, T duplicated. VCF-style (leftmost placement, unchanged base first): chr5-112844023-A-AT. GRCh37 (hg19) VCF-style: chr5-112179720-A-AT.
Other names: c.8430dup, p.Asn2811Ter (NM_001127510.3, NM_001354895.2); c.8376dup, p.Asn2793Ter (NM_001127511.3); c.8484dup, p.Asn2829Ter (NM_001354896.2); c.8460dup, p.Asn2821Ter (NM_001354897.2); c.8355dup, p.Asn2786Ter (NM_001354898.2); c.8346dup, p.Asn2783Ter (NM_001354899.2); c.8307dup, p.Asn2770Ter (NM_001354900.2); c.8253dup, p.Asn2752Ter (NM_001354901.2); and 16 more; short protein forms N2770*, N2793*, N2821*, N2829*, N2651*, N2710*, N2528*, N2685*.
Identifiers: ClinVar variation 1763365 (VCV001763365.4), dbSNP rs2533867343, ClinGen allele CA2580072476.